The following is an entry in ClinVar:

NM_022128.3(RBKS):c.90-1G>C

Gene: RBKS (ribokinase; minus strand). Cytogenetic location: 2p23.2.
Variant type: single nucleotide variant.
Coding change: c.90-1G>C on transcript NM_022128.3 (MANE Select); the canonical splice acceptor site of the intron before coding-DNA position 90, G replaced by C.
Molecular consequence: splice acceptor variant.
Genome position (GRCh38, 1-based): chr2:27,858,572, C>G on the plus strand (G>C on the coding strand, the complement: RBKS is on the minus strand). VCF-style: chr2-27858572-C-G. GRCh37 (hg19) VCF-style: chr2-28081439-C-G.
Other names: NC_000002.11:g.28081439C>G; c.-112-1G>C (NM_001287580.2).
Identifiers: ClinVar variation 3257594 (VCV003257594.18).

ClinVar aggregate classification (germline): Likely benign (1 of 4 stars; one submission).

gnomAD v4.1: 13,623 of 1,609,536 alleles (0.85%); highest among the groups gnomAD compares: Non-Finnish European, 0.97%; 86 homozygotes.

Submissions (38):

CeGaT Center for Human Genetics Tuebingen
Classification: Likely benign. Last evaluated: 2024-07-01. Review status: criteria provided, single submitter. Criteria: CeGaT Center For Human Genetics Tuebingen Variant Classification Criteria Version 2. Collection method: clinical testing. Allele origin: germline. Affected: yes. Observed: 1 variant allele.
Comment: RBKS: BS2

Dr. Peter K. Rogan Lab, Western University
No classification provided (evidence only). Condition: Clear cell carcinoma of kidney. Review status: no classification provided. Collection method: in vitro. Allele origin: not applicable. Functional consequence: retained intron. Not counted in ClinVar's aggregate classification.

Dr. Peter K. Rogan Lab, Western University
No classification provided (evidence only). Condition: Clear cell carcinoma of kidney. Review status: no classification provided. Collection method: in vitro. Allele origin: not applicable. Functional consequence: retained intron. Not counted in ClinVar's aggregate classification.

Dr. Peter K. Rogan Lab, Western University
No classification provided (evidence only). Condition: Clear cell carcinoma of kidney. Review status: no classification provided. Collection method: in vitro. Allele origin: not applicable. Functional consequence: skipped exon. Not counted in ClinVar's aggregate classification.

Dr. Peter K. Rogan Lab, Western University
No classification provided (evidence only). Condition: Lung cancer. Review status: no classification provided. Collection method: in vitro. Allele origin: not applicable. Functional consequence: skipped exon, retained intron. Not counted in ClinVar's aggregate classification.

Dr. Peter K. Rogan Lab, Western University
No classification provided (evidence only). Condition: Lung cancer. Review status: no classification provided. Collection method: in vitro. Allele origin: not applicable. Functional consequence: skipped exon, retained intron. Not counted in ClinVar's aggregate classification.

Dr. Peter K. Rogan Lab, Western University
No classification provided (evidence only). Condition: Lung cancer. Review status: no classification provided. Collection method: in vitro. Allele origin: not applicable. Functional consequence: retained intron. Not counted in ClinVar's aggregate classification.

Dr. Peter K. Rogan Lab, Western University
No classification provided (evidence only). Condition: Lung cancer. Review status: no classification provided. Collection method: in vitro. Allele origin: not applicable. Functional consequence: retained intron. Not counted in ClinVar's aggregate classification.

Dr. Peter K. Rogan Lab, Western University
No classification provided (evidence only). Condition: Lung cancer. Review status: no classification provided. Collection method: in vitro. Allele origin: not applicable. Functional consequence: skipped exon. Not counted in ClinVar's aggregate classification.

Dr. Peter K. Rogan Lab, Western University
No classification provided (evidence only). Condition: Melanoma. Review status: no classification provided. Collection method: in vitro. Allele origin: not applicable. Functional consequence: retained intron. Not counted in ClinVar's aggregate classification.

Dr. Peter K. Rogan Lab, Western University
No classification provided (evidence only). Condition: Melanoma. Review status: no classification provided. Collection method: in vitro. Allele origin: not applicable. Functional consequence: retained intron. Not counted in ClinVar's aggregate classification.

Dr. Peter K. Rogan Lab, Western University
No classification provided (evidence only). Condition: Melanoma. Review status: no classification provided. Collection method: in vitro. Allele origin: not applicable. Functional consequence: skipped exon, retained intron. Not counted in ClinVar's aggregate classification.

Dr. Peter K. Rogan Lab, Western University
No classification provided (evidence only). Condition: Acute myeloid leukemia. Review status: no classification provided. Collection method: in vitro. Allele origin: not applicable. Functional consequence: retained intron. Not counted in ClinVar's aggregate classification.

Dr. Peter K. Rogan Lab, Western University
No classification provided (evidence only). Condition: Colon adenocarcinoma. Review status: no classification provided. Collection method: in vitro. Allele origin: not applicable. Functional consequence: retained intron. Not counted in ClinVar's aggregate classification.

Dr. Peter K. Rogan Lab, Western University
No classification provided (evidence only). Condition: Colorectal cancer. Review status: no classification provided. Collection method: in vitro. Allele origin: not applicable. Functional consequence: retained intron. Not counted in ClinVar's aggregate classification.

Dr. Peter K. Rogan Lab, Western University
No classification provided (evidence only). Condition: Thyroid cancer, nonmedullary, 1. Review status: no classification provided. Collection method: in vitro. Allele origin: not applicable. Functional consequence: skipped exon, retained intron. Not counted in ClinVar's aggregate classification.

Dr. Peter K. Rogan Lab, Western University
No classification provided (evidence only). Condition: Thyroid cancer, nonmedullary, 1. Review status: no classification provided. Collection method: in vitro. Allele origin: not applicable. Functional consequence: skipped exon, retained intron. Not counted in ClinVar's aggregate classification.

Dr. Peter K. Rogan Lab, Western University
No classification provided (evidence only). Condition: Thyroid cancer, nonmedullary, 1. Review status: no classification provided. Collection method: in vitro. Allele origin: not applicable. Functional consequence: skipped exon. Not counted in ClinVar's aggregate classification.

Dr. Peter K. Rogan Lab, Western University
No classification provided (evidence only). Condition: Uterine corpus endometrial carcinoma. Review status: no classification provided. Collection method: in vitro. Allele origin: not applicable. Functional consequence: retained intron. Not counted in ClinVar's aggregate classification.

Dr. Peter K. Rogan Lab, Western University
No classification provided (evidence only). Condition: Hepatocellular carcinoma. Review status: no classification provided. Collection method: in vitro. Allele origin: not applicable. Functional consequence: retained intron. Not counted in ClinVar's aggregate classification.

Dr. Peter K. Rogan Lab, Western University
No classification provided (evidence only). Condition: Hepatocellular carcinoma. Review status: no classification provided. Collection method: in vitro. Allele origin: not applicable. Functional consequence: retained intron. Not counted in ClinVar's aggregate classification.

Dr. Peter K. Rogan Lab, Western University
No classification provided (evidence only). Condition: Hepatocellular carcinoma. Review status: no classification provided. Collection method: in vitro. Allele origin: not applicable. Functional consequence: skipped exon. Not counted in ClinVar's aggregate classification.

Dr. Peter K. Rogan Lab, Western University
No classification provided (evidence only). Condition: Hepatocellular carcinoma. Review status: no classification provided. Collection method: in vitro. Allele origin: not applicable. Functional consequence: skipped exon. Not counted in ClinVar's aggregate classification.

Dr. Peter K. Rogan Lab, Western University
No classification provided (evidence only). Condition: Nonpapillary renal cell carcinoma. Review status: no classification provided. Collection method: in vitro. Allele origin: not applicable. Functional consequence: skipped exon. Not counted in ClinVar's aggregate classification.

Dr. Peter K. Rogan Lab, Western University
No classification provided (evidence only). Condition: Nonpapillary renal cell carcinoma. Review status: no classification provided. Collection method: in vitro. Allele origin: not applicable. Functional consequence: skipped exon. Not counted in ClinVar's aggregate classification.

Dr. Peter K. Rogan Lab, Western University
No classification provided (evidence only). Condition: Pancreatic adenocarcinoma. Review status: no classification provided. Collection method: in vitro. Allele origin: not applicable. Functional consequence: retained intron. Not counted in ClinVar's aggregate classification.

Dr. Peter K. Rogan Lab, Western University
No classification provided (evidence only). Condition: Thymoma. Review status: no classification provided. Collection method: in vitro. Allele origin: not applicable. Functional consequence: skipped exon, retained intron. Not counted in ClinVar's aggregate classification.

Dr. Peter K. Rogan Lab, Western University
No classification provided (evidence only). Condition: Ovarian serous cystadenocarcinoma. Review status: no classification provided. Collection method: in vitro. Allele origin: not applicable. Functional consequence: retained intron. Not counted in ClinVar's aggregate classification.

Dr. Peter K. Rogan Lab, Western University
No classification provided (evidence only). Condition: Gastric cancer. Review status: no classification provided. Collection method: in vitro. Allele origin: not applicable. Functional consequence: retained intron. Not counted in ClinVar's aggregate classification.

Dr. Peter K. Rogan Lab, Western University
No classification provided (evidence only). Condition: Gastric cancer. Review status: no classification provided. Collection method: in vitro. Allele origin: not applicable. Functional consequence: retained intron. Not counted in ClinVar's aggregate classification.

Dr. Peter K. Rogan Lab, Western University
No classification provided (evidence only). Condition: Uterine carcinosarcoma. Review status: no classification provided. Collection method: in vitro. Allele origin: not applicable. Functional consequence: skipped exon, retained intron. Not counted in ClinVar's aggregate classification.

Dr. Peter K. Rogan Lab, Western University
No classification provided (evidence only). Condition: Uveal melanoma. Review status: no classification provided. Collection method: in vitro. Allele origin: not applicable. Functional consequence: skipped exon. Not counted in ClinVar's aggregate classification.

Dr. Peter K. Rogan Lab, Western University
No classification provided (evidence only). Condition: Malignant tumor of esophagus. Review status: no classification provided. Collection method: in vitro. Allele origin: not applicable. Functional consequence: skipped exon, retained intron. Not counted in ClinVar's aggregate classification.

Dr. Peter K. Rogan Lab, Western University
No classification provided (evidence only). Condition: Malignant tumor of esophagus. Review status: no classification provided. Collection method: in vitro. Allele origin: not applicable. Functional consequence: skipped exon. Not counted in ClinVar's aggregate classification.

Dr. Peter K. Rogan Lab, Western University
No classification provided (evidence only). Condition: Nonpapillary renal cell carcinoma. Review status: no classification provided. Collection method: in vitro. Allele origin: not applicable. Functional consequence: skipped exon, retained intron. Not counted in ClinVar's aggregate classification.

Dr. Peter K. Rogan Lab, Western University
No classification provided (evidence only). Condition: Lymphoma. Review status: no classification provided. Collection method: in vitro. Allele origin: not applicable. Functional consequence: retained intron. Not counted in ClinVar's aggregate classification.

Dr. Peter K. Rogan Lab, Western University
No classification provided (evidence only). Condition: Lymphoma. Review status: no classification provided. Collection method: in vitro. Allele origin: not applicable. Functional consequence: retained intron. Not counted in ClinVar's aggregate classification.

Dr. Peter K. Rogan Lab, Western University
No classification provided (evidence only). Condition: Lymphoma. Review status: no classification provided. Collection method: in vitro. Allele origin: not applicable. Functional consequence: retained intron. Not counted in ClinVar's aggregate classification.